The following is an entry in ClinVar:

NM_203446.3(SYNJ1):c.1611C>T (p.Val537=)

Gene: SYNJ1 (synaptojanin 1; minus strand). Cytogenetic location: 21q22.11.
Variant type: single nucleotide variant.
Coding change: c.1611C>T on transcript NM_203446.3 (MANE Select); coding-DNA position 1611, C replaced by T.
Protein change: p.Val537=; no amino-acid change (valine 537 retained).
Molecular consequence: synonymous variant.
Genome position (GRCh38, 1-based): chr21:32,673,455, G>A on the plus strand (C>T on the coding strand, the complement: SYNJ1 is on the minus strand). VCF-style: chr21-32673455-G-A. GRCh37 (hg19) VCF-style: chr21-34045765-G-A.
Other names: c.1611C>T, p.Val537= (NM_001160302.2); c.1596C>T, p.Val532= (NM_001160306.2); c.1728C>T, p.Val576= (NM_003895.4).
Identifiers: ClinVar variation 794335 (VCV000794335.18), dbSNP rs150180190, ClinGen allele CA10003838.

ClinVar aggregate classification (germline): Likely benign. Review status: criteria provided, multiple submitters, no conflicts (2 of 4 stars). 3 submissions from 3 submitters: Likely benign (3). Last evaluated 2025-10-01.

Conditions:
Early-onset Parkinson disease 20. Also called: PARKINSON DISEASE 20, AUTOSOMAL RECESSIVE EARLY-ONSET. Identifiers: Orphanet 391411, MedGen C3809824, MONDO:0014233, OMIM 615530.
Developmental and epileptic encephalopathy, 53. Also called: Epileptic encephalopathy, early infantile, 53. Identifiers: MedGen C4479313, MONDO:0033362, OMIM 617389.

Allele frequency attached by ClinVar (database versions not stated): gnomAD 0.00003; TOPMed 0.00004.
gnomAD v4.1: 26 of 1,613,002 alleles (0.0016%); highest among the groups gnomAD compares: Admixed American, 0.012%; no homozygotes.

Submissions (3):

CeGaT Center for Human Genetics Tuebingen
Classification: Likely benign. Last evaluated: 2025-10-01. Review status: criteria provided, single submitter. Criteria: CeGaT Center For Human Genetics Tuebingen Variant Classification Criteria Version 2. Collection method: clinical testing. Allele origin: germline. Affected: yes. Observed: 1 variant allele.
Comment: SYNJ1: BP4, BP7

Labcorp Genetics (formerly Invitae), Labcorp
Classification: Likely benign for Developmental and epileptic encephalopathy, 53; Early-onset Parkinson disease 20. Last evaluated: 2025-02-01. Review status: criteria provided, single submitter. Criteria: Invitae Variant Classification Sherloc (09022015). Collection method: clinical testing. Allele origin: germline.

Blueprint Genetics
Classification: Likely benign. Last evaluated: 2022-02-04. Review status: criteria provided, single submitter. Criteria: ACMG Guidelines, 2015. Collection method: clinical testing. Allele origin: germline.